The following is an entry in ClinVar:

NM_001267550.2(TTN):c.104106C>G (p.His34702Gln)

Genes: TTN (titin; minus strand), TTN-AS1 (TTN antisense RNA 1; plus strand). Cytogenetic location: 2q31.2.
Variant type: single nucleotide variant.
Coding change: c.104106C>G on transcript NM_001267550.2 (MANE Select); coding-DNA position 104106, C replaced by G.
Protein change: p.His34702Gln; replaces histidine 34702 with glutamine.
Molecular consequence: missense variant.
Genome position (GRCh38, 1-based): chr2:178,532,509, G>C on the plus strand (C>G on the coding strand, the complement: TTN is on the minus strand). VCF-style: chr2-178532509-G-C. GRCh37 (hg19) VCF-style: chr2-179397236-G-C.
Other names: c.99183C>G, p.His33061Gln (NM_001256850.1); c.76911C>G, p.His25637Gln (NM_003319.4); c.96402C>G, p.His32134Gln (NM_133378.4); c.77286C>G, p.His25762Gln (NM_133432.3); c.77487C>G, p.His25829Gln (NM_133437.4); short protein forms H33061Q, H34702Q, H25637Q, H25829Q, H32134Q, H25762Q.
Identifiers: ClinVar variation 518113 (VCV000518113.1), dbSNP rs1168028409, ClinGen allele CA349412502.

ClinVar aggregate classification (germline): Likely benign (1 of 4 stars; one submission).

Submission:

GeneDx
Classification: Likely benign. Last evaluated: 2017-06-14. Review status: criteria provided, single submitter. Criteria: GeneDx Variant Classification (06012015). Collection method: clinical testing. Allele origin: germline. Affected: yes.
Comment: This variant is considered likely benign or benign based on one or more of the following criteria: it is a conservative change, it occurs at a poorly conserved position in the protein, it is predicted to be benign by multiple in silico algorithms, and/or has population frequency not consistent with disease.